The following is an entry in ClinVar:

ClinVar aggregate classification (germline): Uncertain significance (0 of 4 stars; one submission).

Conditions:
LRP2-related disorder. Also called: LRP2-related condition.

Submission:

PreventionGenetics, part of Exact Sciences
Classification: Uncertain significance for LRP2-related condition. Last evaluated: 2024-04-03. Review status: no assertion criteria provided. Collection method: clinical testing. Allele origin: germline.
Comment: The LRP2 c.11953G>C variant is predicted to result in the amino acid substitution p.Gly3985Arg. To our knowledge, this variant has not been reported in the literature or in a large population database, indicating this variant is rare. At this time, the clinical significance of this variant is uncertain due to the absence of conclusive functional and genetic evidence.

NM_004525.3(LRP2):c.11953G>C (p.Gly3985Arg)

Gene: LRP2 (LDL receptor related protein 2; minus strand). Cytogenetic location: 2q31.1.
Variant type: single nucleotide variant.
Coding change: c.11953G>C on transcript NM_004525.3 (MANE Select); coding-DNA position 11953, G replaced by C.
Protein change: p.Gly3985Arg; replaces glycine 3985 with arginine.
Molecular consequence: missense variant.
Genome position (GRCh38, 1-based): chr2:169,157,437, C>G on the plus strand (G>C on the coding strand, the complement: LRP2 is on the minus strand). VCF-style: chr2-169157437-C-G. GRCh37 (hg19) VCF-style: chr2-170013947-C-G.
Other names: short protein forms G3985R.
Identifiers: ClinVar variation 3349484 (VCV003349484.1).